The following is an entry in ClinVar:

ClinVar aggregate classification (germline): Benign (0 of 4 stars; one submission).

Conditions:
CDH13-related disorder. Also called: CDH13-related condition.

Allele frequency attached by ClinVar (database versions not stated): ExAC 0.00019; gnomAD exomes 0.00038; 1000 Genomes Project 0.00260; 1000 Genomes Project 30x 0.00297; gnomAD 0.00376; TOPMed 0.00420.
gnomAD v4.1: 1,125 of 1,530,588 alleles (0.074%); highest among the groups gnomAD compares: African/African-American, 1.3%; 6 homozygotes.

Submission:

PreventionGenetics, part of Exact Sciences
Classification: Benign for CDH13-related condition. Last evaluated: 2020-06-05. Review status: no assertion criteria provided. Collection method: clinical testing. Allele origin: germline.
Comment: This variant is classified as benign based on ACMG/AMP sequence variant interpretation guidelines (Richards et al. 2015 PMID: 25741868, with internal and published modifications).

NM_001257.5(CDH13):c.45+12327A>G

Gene: CDH13 (cadherin 13; plus strand). Cytogenetic location: 16q23.3.
Variant type: single nucleotide variant.
Coding change: c.45+12327A>G on transcript NM_001257.5 (MANE Select); 12327 bases into the intron after coding-DNA position 45, A replaced by G.
Molecular consequence: intron variant. On other transcripts: missense variant (1).
Genome position (GRCh38, 1-based): chr16:82,639,464, A>G. VCF-style: chr16-82639464-A-G. GRCh37 (hg19) VCF-style: chr16-82673069-A-G.
Other names: c.185A>G, p.Gln62Arg (NM_001220488.2); c.45+12327A>G (NM_001220489.2, NM_001220491.2, NM_001220492.2); c.-509+12327A>G (NM_001220490.2); short protein forms Q62R.
Identifiers: ClinVar variation 3048874 (VCV003048874.2), dbSNP rs150875489, ClinGen allele CA8196079.